The following is an entry in ClinVar:

NM_207361.6(FREM2):c.4998_4999del (p.Leu1667fs)

Gene: FREM2 (FRAS1 related extracellular matrix 2; plus strand). Cytogenetic location: 13q13.3.
Variant type: Microsatellite.
Coding change: c.4998_4999del on transcript NM_207361.6 (MANE Select); coding-DNA positions 4998 to 4999, 2 bases deleted (AC; older notation c.4998_4999delAC).
Protein change: p.Leu1667fs; shifts the reading frame from leucine 1667.
Molecular consequence: frameshift variant.
Genome position (GRCh38, 1-based): chr13:38,692,342-38,692,343, AC deleted; deleting any 2 consecutive bases within chr13:38,692,340-38,692,343 gives the same sequence; the c. name uses the placement nearest the transcript's 3' end. VCF-style (leftmost placement, unchanged base first): chr13-38692339-TAC-T. GRCh37 (hg19) VCF-style: chr13-39266476-TAC-T.
Other names: short protein forms L1667fs.
Identifiers: ClinVar variation 2863003 (VCV002863003.3), dbSNP rs2541362520, ClinGen allele CA2739277592.

ClinVar aggregate classification (germline): Pathogenic (1 of 4 stars; one submission).

Submission:

Labcorp Genetics (formerly Invitae), Labcorp
Classification: Pathogenic. Last evaluated: 2023-05-11. Review status: criteria provided, single submitter. Criteria: Invitae Variant Classification Sherloc (09022015). Collection method: clinical testing. Allele origin: germline.
Comment: For these reasons, this variant has been classified as Pathogenic. This variant has not been reported in the literature in individuals affected with FREM2-related conditions. This variant is not present in population databases (gnomAD no frequency). This sequence change creates a premature translational stop signal (p.Leu1667Serfs*30) in the FREM2 gene. It is expected to result in an absent or disrupted protein product. Loss-of-function variants in FREM2 are known to be pathogenic (PMID: 18203166, 26552811).

Literature cited by the submitters: PubMed 18203166; PubMed 26552811.